The following is an entry in ClinVar:

ClinVar aggregate classification (germline): Uncertain significance (1 of 4 stars; one submission).

Conditions:
Hereditary diffuse gastric adenocarcinoma (HDGC). Also called: DIFFUSE GASTRIC AND LOBULAR BREAST CANCER SYNDROME. Identifiers: Orphanet 26106, MedGen C1708349, MONDO:0007648, OMIM 137215.

Submission:

Labcorp Genetics (formerly Invitae), Labcorp
Classification: Uncertain significance for Hereditary diffuse gastric cancer. Last evaluated: 2018-04-18. Review status: criteria provided, single submitter. Criteria: Invitae Variant Classification Sherloc (09022015). Collection method: clinical testing. Allele origin: germline.
Comment: This variant results in a copy number gain of the genomic region encompassing exons 1-2 of the CDH1 gene. The 5' end of this event is unknown as it extends beyond the assayed region for this gene and therefore may encompass additional genes. The 3' boundary is likely confined to intron 2 of the CDH1 gene. As the precise location of this event is unknown, it may be in tandem or it may be located elsewhere in the genome. This variant has not been reported in the literature in individuals with CDH1-related disease. Experimental studies and prediction algorithms are not available for this variant, and the functional significance of the duplicated amino acids is currently unknown. In summary, the available evidence is currently insufficient to determine the role of this variant in disease. Therefore, it has been classified as a Variant of Uncertain Significance.

NC_000016.9:g.(?_68771313)_(68772320_?)dup

Gene: CDH1 (cadherin 1; plus strand). Cytogenetic location: 16q22.1.
Variant type: Duplication.
Identifiers: ClinVar variation 463684 (VCV000463684.1).